The following is an entry in ClinVar:

ClinVar aggregate classification (germline): Uncertain significance (1 of 4 stars; one submission).

gnomAD v4.1: 1 of 1,613,298 alleles (0.000062%); highest among the groups gnomAD compares: Non-Finnish European, 0.000085%; no homozygotes.

Submission:

GeneDx
Classification: Uncertain significance. Last evaluated: 2025-06-16. Review status: criteria provided, single submitter. Criteria: GeneDx Variant Classification Process June 2021. Collection method: clinical testing. Allele origin: germline. Affected: yes.
Comment: Not observed at significant frequency in large population cohorts (gnomAD); In silico analysis suggests that this missense variant does not alter protein structure/function; In silico analysis is inconclusive as to whether the variant alters gene splicing. In the absence of RNA/functional studies, the actual effect of this sequence change is unknown.; Has not been previously published as pathogenic or benign to our knowledge

NM_152713.5(STT3A):c.13G>A (p.Gly5Arg)

Gene: STT3A (STT3 oligosaccharyltransferase complex catalytic subunit A; plus strand). Cytogenetic location: 11q24.2.
Variant type: single nucleotide variant.
Coding change: c.13G>A on transcript NM_152713.5 (MANE Select); coding-DNA position 13, G replaced by A.
Protein change: p.Gly5Arg; replaces glycine 5 with arginine.
Molecular consequence: missense variant. On other transcripts: intron variant (1).
Genome position (GRCh38, 1-based): chr11:125,595,928, G>A. VCF-style: chr11-125595928-G-A. GRCh37 (hg19) VCF-style: chr11-125465823-G-A.
Other names: c.13G>A, p.Gly5Arg (NM_001278503.2); c.-188-1131G>A (NM_001278504.2); short protein forms G5R.
Identifiers: ClinVar variation 4538837 (VCV004538837.1).
Genomic context (GRCh38, chr11:125,595,928, plus strand): 5'-TTTTTCATTTTAGCTGATCGTCGTGTGTTGCCACCCATTCATGTCAAGATGACTAAGTTT[G>A]GATTTTTGCGATTGTCCTATGAGAAGCAGGACACACTTTTGAAGCTTCTCATTCTGTCAA-3'
Protein context (NP_689926.1, residues 1-15): MTKF[Gly5Arg]FLRLSYEKQD